The following is an entry in ClinVar:

ClinVar aggregate classification (germline): Pathogenic (1 of 4 stars; one submission).

Conditions:
Sandhoff disease. Also called: GM2-GANGLIOSIDOSIS, TYPE II; HEXOSAMINIDASES A AND B DEFICIENCY; Beta-hexosaminidase-beta-subunit deficiency; GM2 gangliosidosis, type 2; Total hexosaminidase deficiency; Sandhoff-Jatzkewitz-Pilz disease. Identifiers: Orphanet 796, MedGen C0036161, MONDO:0010006, OMIM 268800.

Submission:

Labcorp Genetics (formerly Invitae), Labcorp
Classification: Pathogenic for Sandhoff disease. Last evaluated: 2019-11-29. Review status: criteria provided, single submitter. Criteria: Invitae Variant Classification Sherloc (09022015). Collection method: clinical testing. Allele origin: germline.
Comment: For these reasons, this variant has been classified as Pathogenic. Loss-of-function variants in HEXB are known to be pathogenic (PMID: 7550345, 18758829). This variant has not been reported in the literature in individuals with HEXB-related conditions. This variant is not present in population databases (ExAC no frequency). This sequence change creates a premature translational stop signal (p.Leu151Phefs*4) in the HEXB gene. It is expected to result in an absent or disrupted protein product.

Literature cited by the submitters: PubMed 7550345; PubMed 18758829.

NM_000521.4(HEXB):c.451_452dup (p.Leu151fs)

Gene: HEXB (hexosaminidase subunit beta; plus strand). Cytogenetic location: 5q13.3.
Variant type: Duplication.
Coding change: c.451_452dup on transcript NM_000521.4 (MANE Select); coding-DNA positions 451 to 452, 2 bases duplicated (TT; older notation c.451_452dupTT).
Protein change: p.Leu151fs; shifts the reading frame from leucine 151.
Molecular consequence: frameshift variant. On other transcripts: 5 prime UTR variant (1).
Genome position (GRCh38, 1-based): chr5:74,693,644-74,693,645, TT duplicated; duplicating any 2 consecutive bases within chr5:74,693,643-74,693,645 gives the same sequence; the c. name uses the placement nearest the transcript's 3' end. VCF-style (leftmost placement, unchanged base first): chr5-74693642-C-CTT. GRCh37 (hg19) VCF-style: chr5-73989467-C-CTT.
Other names: c.-225_-224dup (NM_001292004.2); short protein forms L151fs.
Identifiers: ClinVar variation 841253 (VCV000841253.7), dbSNP rs1749049871, ClinGen allele CA916082717.